The following is an entry in ClinVar:

ClinVar aggregate classification (germline): Likely pathogenic (1 of 4 stars; one submission).

Conditions:
Nemaline myopathy 2 (NEM2). Also called: Nemaline myopathy 2, autosomal recessive. Identifiers: MedGen C1850569, MONDO:0009725, OMIM 256030.

Submission:

Natera, Inc.
Classification: Likely pathogenic for Nemaline myopathy type 2. Last evaluated: 2025-10-23. Review status: criteria provided, single submitter. Criteria: Natera Variant Classification Schema (03/2026). Collection method: clinical testing. Allele origin: germline.
Comment: The c.20700del variant in NEB is a frameshift variant predicted to shift the reading frame beginning at codon 6901 and leads to a stop codon 17 codons downstream. This variant is expected to result in nonsense mediated decay, truncation, or a dysfunctional protein product. This variant is rare in the general population with a frequency below the threshold expected for the associated phenotype(s). Given the available evidence, this variant is classified as Likely Pathogenic.

NM_001164508.2(NEB):c.20700del (p.Ala6901fs)

Gene: NEB (nebulin; minus strand). Cytogenetic location: 2q23.3.
Variant type: Deletion.
Coding change: c.20700del on transcript NM_001164508.2 (MANE Select); coding-DNA position 20700, one base deleted (T; older notation c.20700delT).
Protein change: p.Ala6901fs; shifts the reading frame from alanine 6901.
Molecular consequence: frameshift variant.
Genome position (GRCh38, 1-based): chr2:151,540,784, A deleted on the plus strand (T on the coding strand, the reverse complement: NEB is on the minus strand); the first of 2 consecutive A bases (chr2:151,540,784-151,540,785); deleting either gives the same sequence. VCF-style (leftmost placement, unchanged base first): chr2-151540783-CA-C. GRCh37 (hg19) VCF-style: chr2-152397297-CA-C.
Other names: c.20700del, p.Ala6901fs (NM_001164507.2, NM_001271208.2); c.20699delT, p.Ala6901Profs (NM_001271208.1); c.15597del, p.Ala5200fs (NM_004543.5); short protein forms A5200fs, A6901fs.
Identifiers: ClinVar variation 4814748 (VCV004814748.1).
Genomic context (GRCh38, chr2:151,540,783, plus strand): 5'-TAGCATGCTTCAAGGCTGTGGTCTGGTTTCCAGCGTGATGATGGGGTCTCTCTTTGGTGG[CA>C]AGTTCAACATACAGATACTGAATAATAGAAGAAAGTGAGGTGTCATAGAGATAAAGCATT-3'